The following is an entry in ClinVar:

ClinVar aggregate classification (germline): Uncertain significance (1 of 4 stars; one submission).

Submission:

GeneDx
Classification: Uncertain significance. Last evaluated: 2022-06-02. Review status: criteria provided, single submitter. Criteria: GeneDx Variant Classification Process June 2021. Collection method: clinical testing. Allele origin: germline. Affected: yes.
Comment: In silico analysis supports that this variant does not alter protein structure/function; Has not been previously published as pathogenic or benign to our knowledge

NM_178857.6(RP1L1):c.5294_5301delinsAAGATGAC (p.Gly1765_Ala1767delinsGluAspAsp)

Gene: RP1L1 (RP1 like 1). Cytogenetic location: 8p23.1.
Variant type: Indel.
Coding change: c.5294_5301delinsAAGATGAC on transcript NM_178857.6 (MANE Select); coding-DNA positions 5294 to 5301, the reference bases replaced by AAGATGAC.
Protein change: p.Gly1765_Ala1767delinsGluAspAsp.
Molecular consequence: missense variant.
Genome position: GRCh38 VCF-style: chr8-10608797-TGCATCTC-GTCATCTT. GRCh37 (hg19) VCF-style: chr8-10466307-TGCATCTC-GTCATCTT.
Identifiers: ClinVar variation 1802011 (VCV001802011.1), dbSNP rs2486285973, ClinGen allele CA2580078022.
Genomic context (GRCh38, chr8:10,608,797, plus strand): 5'-CAACTCACTGCCCGCACTGGTTTCACTGTTGTGGGTTTTCCCTTCTCTCTCCTGAGCCAT[TGCATCTC>GTCATCTT]CCTCTGCCTCCCCGAGTTTGGGATCTTTGTCTCTGTTGAGTCTCTGGCTCCCCTCGCCAT-3'